The following is an entry in ClinVar:

NM_005807.6(PRG4):c.3793+2dup

Gene: PRG4 (proteoglycan 4; plus strand). Cytogenetic location: 1q31.1.
Variant type: Duplication.
Coding change: c.3793+2dup on transcript NM_005807.6 (MANE Select); the canonical splice donor site of the intron after coding-DNA position 3793, one base duplicated (T; older notation c.3793+2dupT).
Molecular consequence: splice donor variant.
Genome position (GRCh38, 1-based): chr1:186,311,598, T duplicated. VCF-style (leftmost placement, unchanged base first): chr1-186311597-G-GT. GRCh37 (hg19) VCF-style: chr1-186280729-G-GT.
Other names: c.3664+2dup (NM_001303232.2); c.3514+2dup (NM_001127709.3); c.3670+2dup (NM_001127708.3); c.3391+2dup (NM_001127710.3).
Identifiers: ClinVar variation 4855250 (VCV004855250.1).

ClinVar aggregate classification (germline): Likely pathogenic (1 of 4 stars; one submission).

Conditions:
Camptodactyly-arthropathy-coxa vara-pericarditis syndrome. Also called: FIBROSING SEROSITIS, FAMILIAL; Arthropathy camptodactyly syndrome; Pericarditis arthropathy camptodactyly syndrome; Congenital familial hypertrophic synovitis; JACOBS SYNDROME; PAC SYNDROME. Identifiers: Orphanet 2848, MedGen C1859690, MONDO:0008828, OMIM 208250.

Submission:

3billion
Classification: Likely pathogenic for Camptodactyly-arthropathy-coxa vara-pericarditis syndrome. Last evaluated: 2025-10-06. Review status: criteria provided, single submitter. Criteria: ACMG Guidelines, 2015. Collection method: clinical testing. Allele origin: germline. Affected: yes.
Comment: The variant is not observed in the gnomAD v4.1.0 dataset. Predicted Consequence/Location: Canonical splice site: predicted to alter splicing and result in a loss or disruption of normal protein function. Multiple pathogenic loss-of-function variants are reported downstream of the variant. Therefore, this variant is classified as Likely pathogenic according to the recommendation of ACMG/AMP guideline.